The following is an entry in ClinVar:

NM_174934.4(SCN4B):c.259G>A (p.Glu87Lys)

Genes: SCN4B (sodium voltage-gated channel beta subunit 4; minus strand), LOC126861356 (BRD4-independent group 4 enhancer GRCh37_chr11:118014519-118015718; plus strand). Cytogenetic location: 11q23.3.
Variant type: single nucleotide variant.
Coding change: c.259G>A on transcript NM_174934.4 (MANE Select); coding-DNA position 259, G replaced by A.
Protein change: p.Glu87Lys; replaces glutamic acid 87 with lysine.
Molecular consequence: missense variant. On other transcripts: 5 prime UTR variant (1), non-coding transcript variant (1), intron variant (1).
Genome position (GRCh38, 1-based): chr11:118,144,037, C>T on the plus strand (G>A on the coding strand, the complement: SCN4B is on the minus strand). VCF-style: chr11-118144037-C-T. GRCh37 (hg19) VCF-style: chr11-118014752-C-T.
Other names: c.-72G>A (NM_001142349.2); c.62-2701G>A (NM_001142348.2); short protein forms E87K.
Identifiers: ClinVar variation 1484623 (VCV001484623.11), dbSNP rs762777113, ClinGen allele CA6300242.

ClinVar aggregate classification (germline): Conflicting classifications of pathogenicity. Review status: criteria provided, conflicting classifications (1 of 4 stars). 2 submissions from 2 submitters: Uncertain significance (1); Benign (1). Last evaluated 2024-10-04.

Conditions:
Cardiovascular phenotype. Identifiers: MedGen CN230736.
Long QT syndrome 10 (LQT10). Identifiers: Orphanet 101016, Orphanet 768, MedGen C2678484, MONDO:0012737, OMIM 611819.

Allele frequency attached by ClinVar (database versions not stated): gnomAD exomes 0.00001; TOPMed 0.00001; ExAC 0.00002.
gnomAD v4.1: 3 of 1,613,680 alleles (0.00019%); highest among the groups gnomAD compares: African/African-American, 0.004%; no homozygotes.

Submissions (2):

Ambry Genetics
Classification: Benign for Cardiovascular phenotype. Last evaluated: 2024-10-04. Review status: criteria provided, single submitter. Criteria: Ambry Variant Classification Scheme 2023. Collection method: clinical testing. Allele origin: germline.

Labcorp Genetics (formerly Invitae), Labcorp
Classification: Uncertain significance for Long QT syndrome 10. Last evaluated: 2020-10-28. Review status: criteria provided, single submitter. Criteria: Invitae Variant Classification Sherloc (09022015). Collection method: clinical testing. Allele origin: germline.
Comment: This variant has not been reported in the literature in individuals with SCN4B-related conditions. Algorithms developed to predict the effect of missense changes on protein structure and function (SIFT, PolyPhen-2, Align-GVGD) all suggest that this variant is likely to be tolerated, but these predictions have not been confirmed by published functional studies and their clinical significance is uncertain. In summary, the available evidence is currently insufficient to determine the role of this variant in disease. Therefore, it has been classified as a Variant of Uncertain Significance. This variant is present in population databases (rs762777113, ExAC 0.03%). This sequence change replaces glutamic acid with lysine at codon 87 of the SCN4B protein (p.Glu87Lys). The glutamic acid residue is moderately conserved and there is a small physicochemical difference between glutamic acid and lysine.